The following is an entry in ClinVar:

NM_001048174.2(MUTYH):c.91C>G (p.Gln31Glu)

Gene: MUTYH (mutY DNA glycosylase; minus strand). Cytogenetic location: 1p34.1.
Variant type: single nucleotide variant.
Coding change: c.91C>G on transcript NM_001048174.2 (MANE Select); coding-DNA position 91, C replaced by G.
Protein change: p.Gln31Glu; replaces glutamine 31 with glutamic acid.
Molecular consequence: missense variant. On other transcripts: non-coding transcript variant (7), 5 prime UTR variant (7).
Genome position (GRCh38, 1-based): chr1:45,334,415, G>C on the plus strand (C>G on the coding strand, the complement: MUTYH is on the minus strand). VCF-style: chr1-45334415-G-C. GRCh37 (hg19) VCF-style: chr1-45800087-G-C.
Other names: c.91C>G, p.Gln31Glu (NM_001048171.2, NM_001048172.2, NM_001048173.2 and 15 more transcripts); c.133C>G, p.Gln45Glu (NM_001128425.2, NM_001293190.2, NM_001407069.1 and 2 more transcripts); c.-122C>G (NM_001293192.2, NM_001293196.2, NM_001407091.1); c.-181C>G (NM_001350650.2); c.-117C>G (NM_001350651.2, NM_001407082.1); c.-66C>G (NM_001407075.1); c.109C>G, p.Gln37Glu (NM_001407087.1); short protein forms Q31E, Q37E, Q45E.
Identifiers: ClinVar variation 2773694 (VCV002773694.3), dbSNP rs2524353808, ClinGen allele CA340137009.

ClinVar aggregate classification (germline): Uncertain significance. Review status: criteria provided, multiple submitters, no conflicts (2 of 4 stars). 2 submissions from 2 submitters: Uncertain significance (2). Last evaluated 2025-08-27.

Conditions:
Hereditary cancer-predisposing syndrome. Also called: Hereditary neoplastic syndrome; Hereditary Cancer Syndrome; Neoplastic Syndromes, Hereditary; Tumor predisposition. Identifiers: Orphanet 140162, MedGen C0027672, MeSH D009386, MONDO:0015356.

Submissions (2):

Ambry Genetics
Classification: Uncertain significance for Hereditary cancer-predisposing syndrome. Last evaluated: 2025-08-27. Review status: criteria provided, single submitter. Criteria: Ambry Variant Classification Scheme 2023. Collection method: clinical testing. Allele origin: germline.
Comment: The p.Q45E variant (also known as c.133C>G), located in coding exon 2 of the MUTYH gene, results from a C to G substitution at nucleotide position 133. The glutamine at codon 45 is replaced by glutamic acid, an amino acid with highly similar properties. This amino acid position is conserved. In addition, this alteration is predicted to be tolerated by in silico analysis. Based on the available evidence, the clinical significance of this variant remains unclear.

Color Diagnostics, LLC DBA Color Health
Classification: Uncertain significance for Hereditary cancer-predisposing syndrome. Last evaluated: 2024-03-07. Review status: criteria provided, single submitter. Criteria: ACMG Guidelines, 2015. Collection method: clinical testing. Allele origin: germline.
Comment: This missense variant replaces glutamine with glutamic acid at codon 45 of the MUTYH protein. Computational prediction suggests that this variant may not impact protein structure and function (internally defined REVEL score threshold <= 0.5, PMID: 27666373). To our knowledge, functional studies have not been reported for this variant. This variant has not been reported in individuals affected with hereditary cancer in the literature. This variant has not been identified in the general population by the Genome Aggregation Database (gnomAD). The available evidence is insufficient to determine the role of this variant in disease conclusively. Therefore, this variant is classified as a Variant of Uncertain Significance.